The following is an entry in ClinVar:

NM_001360.3(DHCR7):c.543G>C (p.Leu181=)

Gene: DHCR7 (7-dehydrocholesterol reductase; minus strand). Cytogenetic location: 11q13.4.
Variant type: single nucleotide variant.
Coding change: c.543G>C on transcript NM_001360.3 (MANE Select); coding-DNA position 543, G replaced by C.
Protein change: p.Leu181=; no amino-acid change (leucine 181 retained).
Molecular consequence: synonymous variant.
Genome position (GRCh38, 1-based): chr11:71,441,310, C>G on the plus strand (G>C on the coding strand, the complement: DHCR7 is on the minus strand). VCF-style: chr11-71441310-C-G. GRCh37 (hg19) VCF-style: chr11-71152356-C-G.
Other names: c.543G>C, p.Leu181= (NM_001163817.2).
Identifiers: ClinVar variation 1079209 (VCV001079209.15), dbSNP rs146839126, ClinGen allele CA6162539.

ClinVar aggregate classification (germline): Likely benign. Review status: criteria provided, multiple submitters, no conflicts (2 of 4 stars). 4 submissions from 4 submitters: Likely benign (3). 1 of the submissions does not count toward it. Last evaluated 2025-12-17.

Conditions:
Inborn genetic diseases. Identifiers: MedGen C0950123, MeSH D030342.
DHCR7-related disorder. Also called: DHCR7-related condition.
Smith-Lemli-Opitz syndrome (SLOS). Also called: POLYDACTYLY, SEX REVERSAL, RENAL HYPOPLASIA, AND UNILOBAR LUNG; RSH SYNDROME; RUTLEDGE LETHAL MULTIPLE CONGENITAL ANOMALY SYNDROME; LETHAL ACRODYSGENITAL SYNDROME; 7-Dehydrocholesterol reductase deficiency. Identifiers: Orphanet 818, MedGen C0175694, MONDO:0010035, OMIM 270400.

Allele frequency attached by ClinVar (database versions not stated): ExAC 0.00002; gnomAD exomes 0.00002; ESP Exome Variant Server 0.00008; TOPMed 0.00009; 1000 Genomes Project 0.00020; 1000 Genomes Project 30x 0.00031.
gnomAD v4.1: 25 of 1,614,254 alleles (0.0015%); highest among the groups gnomAD compares: African/African-American, 0.029%; no homozygotes.

Submissions (4):

Labcorp Genetics (formerly Invitae), Labcorp
Classification: Likely benign for Smith-Lemli-Opitz syndrome. Last evaluated: 2025-12-17. Review status: criteria provided, single submitter. Criteria: Invitae Variant Classification Sherloc (09022015). Collection method: clinical testing. Allele origin: germline.

Fulgent Genetics
Classification: Likely benign for Smith-Lemli-Opitz syndrome. Last evaluated: 2021-08-20. Review status: criteria provided, single submitter. Criteria: ACMG Guidelines, 2015. Collection method: clinical testing. Allele origin: unknown.

Ambry Genetics
Classification: Likely benign for Inborn genetic diseases. Last evaluated: 2020-03-25. Review status: criteria provided, single submitter. Criteria: Ambry Variant Classification Scheme 2023. Collection method: clinical testing. Allele origin: germline.

PreventionGenetics, part of Exact Sciences
Classification: Likely benign for DHCR7-related condition. Last evaluated: 2019-04-09. Review status: no assertion criteria provided. Collection method: clinical testing. Allele origin: germline. Not counted in ClinVar's aggregate classification.
Comment: This variant is classified as likely benign based on ACMG/AMP sequence variant interpretation guidelines (Richards et al. 2015 PMID: 25741868, with internal and published modifications).